The following is an entry in ClinVar:

ClinVar aggregate classification (germline): Conflicting classifications of pathogenicity. Review status: criteria provided, conflicting classifications (1 of 4 stars). 7 submissions from 7 submitters: Uncertain significance (2); Likely benign (4). 1 of the submissions does not count toward it. Last evaluated 2025-10-27.

Conditions:
Cardiomyopathy (CMYO). Also called: Cardiomyopathies. Identifiers: Orphanet 167848, MedGen C0878544, MONDO:0004994, HP:0001638. Inheritance: Various modes of inheritance.
RYR2-related disorder. Also called: RYR2-related condition.
Catecholaminergic polymorphic ventricular tachycardia 1. Also called: VENTRICULAR TACHYCARDIA, CATECHOLAMINERGIC POLYMORPHIC, 1, WITH OR WITHOUT ATRIAL DYSFUNCTION AND/OR DILATED CARDIOMYOPATHY; VENTRICULAR TACHYCARDIA, STRESS-INDUCED POLYMORPHIC 1; RYR2-Related Catecholaminergic Polymorphic Ventricular Tachycardia. Identifiers: Orphanet 3286, MedGen C1631597, MONDO:0011484, OMIM 604772.

Submissions (7):

Labcorp Genetics (formerly Invitae), Labcorp
Classification: Likely benign for Catecholaminergic polymorphic ventricular tachycardia 1. Last evaluated: 2025-10-27. Review status: criteria provided, single submitter. Criteria: Invitae Variant Classification Sherloc (09022015). Collection method: clinical testing. Allele origin: germline.

Blueprint Genetics
Classification: Likely benign. Last evaluated: 2020-04-21. Review status: criteria provided, single submitter. Criteria: ACMG Guidelines, 2015. Collection method: clinical testing. Allele origin: germline.

Mayo Clinic Laboratories, Mayo Clinic
Classification: Uncertain significance. Last evaluated: 2019-05-20. Review status: criteria provided, single submitter. Criteria: ACMG Guidelines, 2015. Collection method: clinical testing. Allele origin: germline. Observed: 2 variant alleles.

Color Diagnostics, LLC DBA Color Health
Classification: Likely benign for Cardiomyopathy. Last evaluated: 2019-04-15. Review status: criteria provided, single submitter. Criteria: ACMG Guidelines, 2015. Collection method: clinical testing. Allele origin: germline.

GeneDx
Classification: Likely benign. Last evaluated: 2015-12-03. Review status: criteria provided, single submitter. Criteria: GeneDx Variant Classification (06012015). Collection method: clinical testing. Allele origin: germline. Affected: yes.
Comment: This variant is considered likely benign or benign based on one or more of the following criteria: it is a conservative change, it occurs at a poorly conserved position in the protein, it is predicted to be benign by multiple in silico algorithms, and/or has population frequency not consistent with disease.

Genomic Diagnostic Laboratory, Division of Genomic Diagnostics, Children's Hospital of Philadelphia
Classification: Uncertain significance for Catecholaminergic polymorphic ventricular tachycardia. Last evaluated: 2014-12-31. Review status: criteria provided, single submitter. Criteria: DGD Variant Analysis Guidelines. Collection method: clinical testing. Allele origin: unknown.

PreventionGenetics, part of Exact Sciences
Classification: Likely benign for RYR2-related condition. Last evaluated: 2023-10-26. Review status: no assertion criteria provided. Collection method: clinical testing. Allele origin: germline. Not counted in ClinVar's aggregate classification.
Comment: This variant is classified as likely benign based on ACMG/AMP sequence variant interpretation guidelines (Richards et al. 2015 PMID: 25741868, with internal and published modifications).

NM_001035.3(RYR2):c.13476+8_13476+11dup

Gene: RYR2 (ryanodine receptor 2; plus strand). Cytogenetic location: 1q43.
Variant type: Duplication.
Coding change: c.13476+8_13476+11dup on transcript NM_001035.3 (MANE Select); bases 8 to 11 of the intron after coding-DNA position 13476, 4 bases duplicated (GTTT; older notation c.13476+8_13476+11dupGTTT).
Molecular consequence: intron variant.
Genome position (GRCh38, 1-based): chr1:237,788,143-237,788,146, GTTT duplicated; duplicating any 4 consecutive bases within chr1:237,788,142-237,788,146 gives the same sequence; the c. name uses the placement nearest the transcript's 3' end. VCF-style (leftmost placement, unchanged base first): chr1-237788141-A-ATGTT. GRCh37 (hg19) VCF-style: chr1-237951441-A-ATGTT.
Other names: c.13476+8_13476+11dup (LRG_402t1).
Identifiers: ClinVar variation 420230 (VCV000420230.21), dbSNP rs864309562, ClinGen allele CA277903.